The following is an entry in ClinVar:

ClinVar aggregate classification (germline): Uncertain significance (1 of 4 stars; one submission).

Conditions:
PLEC-related disorder. Also called: PLEC-related condition; PLEC-related disorders.

gnomAD v4.1: 8 of 1,613,176 alleles (0.0005%); highest among the groups gnomAD compares: Non-Finnish European, 0.00068%; no homozygotes.

Submission:

PreventionGenetics, part of Exact Sciences
Classification: Uncertain significance for PLEC-related condition. Last evaluated: 2026-07-20. Review status: criteria provided, single submitter. Criteria: ACMG Guidelines, 2015. Collection method: clinical testing. Allele origin: germline.
Comment: The PLEC c.4004G>A variant is predicted to result in the amino acid substitution p.Gly1335Glu. To our knowledge, this variant has not been reported in the literature. This variant is reported in 0.0018% of alleles in individuals of European (Non-Finnish) descent in gnomAD. At this time, the clinical significance of this variant is uncertain due to the absence of conclusive functional and genetic evidence.

NM_201384.3(PLEC):c.3923G>A (p.Gly1308Glu)

Gene: PLEC (plectin; minus strand). Cytogenetic location: 8q24.3.
Variant type: single nucleotide variant.
Coding change: c.3923G>A on transcript NM_201384.3 (MANE Select); coding-DNA position 3923, G replaced by A.
Protein change: p.Gly1308Glu; replaces glycine 1308 with glutamic acid.
Molecular consequence: missense variant.
Genome position (GRCh38, 1-based): chr8:143,926,999, C>T on the plus strand (G>A on the coding strand, the complement: PLEC is on the minus strand). VCF-style: chr8-143926999-C-T. GRCh37 (hg19) VCF-style: chr8-145001167-C-T.
Other names: c.3923G>A, p.Gly1308Glu (NM_201382.4); c.3935G>A, p.Gly1312Glu (NM_201383.3); c.4004G>A, p.Gly1335Glu (NM_000445.5, NM_001410941.1); c.3881G>A, p.Gly1294Glu (NM_201378.4); c.3857G>A, p.Gly1286Glu (NM_201379.3); c.4334G>A, p.Gly1445Glu (NM_201380.4); c.3827G>A, p.Gly1276Glu (NM_201381.3); short protein forms G1286E, G1335E, G1276E, G1294E, G1308E, G1312E, G1445E.
Identifiers: ClinVar variation 4993712 (VCV004993712.1).